The following is an entry in ClinVar:

NC_000007.14:g.156779534del

Genes: LMBR1 (limb development membrane protein 1; minus strand), SHH (sonic hedgehog signaling molecule; minus strand). Cytogenetic location: 7q36.3.
Variant type: Deletion.
Molecular consequence: intron variant (on NM_022458.4).
Genome position: GRCh38 VCF-style: chr7-156779531-TG-T. GRCh37 (hg19) VCF-style: chr7-156572225-TG-T.
Other names: c.361-15737del (NM_001363412.2); c.145-15737del (NM_001350954.2); c.424-15737del (NM_001363410.2, NM_022458.4, NM_001363409.2 and 1 more transcripts); c.-34+123del (NM_001350958.2, NM_001350956.2, NM_001350955.2 and 1 more transcripts); c.55-15737del (NM_001350957.2, NM_001363411.2).
Identifiers: ClinVar variation 2871052 (VCV002871052.3), dbSNP rs1450471562, ClinGen allele CA579060325.
Genomic context (GRCh38, chr7:156,779,531, plus strand): 5'-ATGAAATAGATTAGTAAAGACTAAACACTTGTAGACACACAGATTTCTTTTAGATTTAAA[TG>T]GGAACTAAATGGATAGTCTACTACACTCAAATGGTTATGATATAATTGCTTCTTGGAATT-3'

ClinVar aggregate classification (germline): Uncertain significance (1 of 4 stars; one submission).

Conditions:
Holoprosencephaly 3 (HPE3). Identifiers: Orphanet 2162, MedGen C1840529, MONDO:0007733, OMIM 142945.

Submission:

Labcorp Genetics (formerly Invitae), Labcorp
Classification: Uncertain significance for Holoprosencephaly 3. Last evaluated: 2025-08-11. Review status: criteria provided, single submitter. Criteria: Invitae Variant Classification Sherloc (09022015). Collection method: clinical testing. Allele origin: germline.
Comment: This variant occurs in a non-coding region of the SHH gene. It does not change the encoded amino acid sequence of the SHH protein. This variant is present in population databases (no rsID available, gnomAD 0.01%). This variant has not been reported in the literature in individuals affected with SHH-related conditions. Experimental studies and prediction algorithms are not available or were not evaluated, and the functional significance of this variant is currently unknown. In summary, the available evidence is currently insufficient to determine the role of this variant in disease. Therefore, it has been classified as a Variant of Uncertain Significance.